The following is an entry in ClinVar:

ClinVar aggregate classification (germline): Likely benign (0 of 4 stars; one submission).

Conditions:
CDH23-related disorder. Also called: CDH23-related disorders; CDH23-related condition.

Allele frequency attached by ClinVar (database versions not stated): ExAC 0.00001; gnomAD 0.00001; gnomAD exomes below 0.00001.
gnomAD v4.1: 4 of 1,598,960 alleles (0.00025%); highest among the groups gnomAD compares: East Asian, 0.0089%; no homozygotes.

Submission:

PreventionGenetics, part of Exact Sciences
Classification: Likely benign for CDH23-related condition. Last evaluated: 2019-10-15. Review status: no assertion criteria provided. Collection method: clinical testing. Allele origin: germline.
Comment: This variant is classified as likely benign based on ACMG/AMP sequence variant interpretation guidelines (Richards et al. 2015 PMID: 25741868, with internal and published modifications).

NM_022124.6(CDH23):c.9381-150A>C

Gene: CDH23 (cadherin related 23; plus strand). Cytogenetic location: 10q22.1.
Variant type: single nucleotide variant.
Coding change: c.9381-150A>C on transcript NM_022124.6 (MANE Select); 150 bases into the intron before coding-DNA position 9381, A replaced by C.
Molecular consequence: intron variant. On other transcripts: synonymous variant (2).
Genome position (GRCh38, 1-based): chr10:71,812,330, A>C. VCF-style: chr10-71812330-A-C. GRCh37 (hg19) VCF-style: chr10-73572087-A-C.
Other names: c.39A>C, p.Ala13= (NM_001171935.1, NM_001171936.1); c.2661-150A>C (NM_001171933.1, NM_001171934.1).
Identifiers: ClinVar variation 3040664 (VCV003040664.2), dbSNP rs748504881, ClinGen allele CA5547034.
Genomic context (GRCh38, chr10:71,812,330, plus strand): 5'-ACCAAAGGCAATCCAGACTGACATGCGGTCCTGGTTCCAGCAGGATCCTATGGTGGGAGC[A>C]TGCACCACAGGCACCAGGGCCTCACACCCCAAGTCAGTGAAAGGCACTATATGGCCAGGG-3'